The following is an entry in ClinVar:

NM_003995.4(NPR2):c.351del (p.Leu119fs)

Gene: NPR2 (natriuretic peptide receptor 2; plus strand). Cytogenetic location: 9p13.3.
Variant type: Deletion.
Coding change: c.351del on transcript NM_003995.4 (MANE Select); coding-DNA position 351, one base deleted (T; older notation c.351delT).
Protein change: p.Leu119fs; shifts the reading frame from leucine 119.
Molecular consequence: frameshift variant.
Genome position (GRCh38, 1-based): chr9:35,792,759, T deleted; the last of 2 consecutive T bases (chr9:35,792,758-35,792,759); deleting either gives the same sequence. VCF-style (leftmost placement, unchanged base first): chr9-35792757-CT-C. GRCh37 (hg19) VCF-style: chr9-35792754-CT-C.
Other names: c.351del, p.Leu119fs (NM_001378923.1); short protein forms L119fs.
Identifiers: ClinVar variation 4786538 (VCV004786538.1).
Genomic context (GRCh38, chr9:35,792,757, plus strand): 5'-TTAGGTCCCGGTTGCGTGTACCCTGCTGCCTCTGTGGCCCGCTTTGCCTCCCACTGGCGC[CT>C]TCCCCTGCTGACTGCGGGTGCTGTGGCCTCTGGTTTTTCGGCTAAGAATGACCATTATCG-3'

ClinVar aggregate classification (germline): Pathogenic (1 of 4 stars; one submission).

Conditions:
Acromesomelic dysplasia 1, Maroteaux type (AMD1). Also called: ACROMESOMELIC DYSPLASIA 1; ST. HELENA DYSPLASIA. Identifiers: Orphanet 40, MedGen C1864356, MONDO:0011275, OMIM 602875.
Tall stature-scoliosis-macrodactyly of the great toes syndrome. Also called: Epiphyseal chondrodysplasia, miura type. Identifiers: Orphanet 329191, MedGen C4014690, MONDO:0014401, OMIM 615923.

Submission:

Labcorp Genetics (formerly Invitae), Labcorp
Classification: Pathogenic for Tall stature-scoliosis-macrodactyly of the great toes syndrome; Acromesomelic dysplasia 1, Maroteaux type. Last evaluated: 2025-12-05. Review status: criteria provided, single submitter. Criteria: Invitae Variant Classification Sherloc (09022015). Collection method: clinical testing. Allele origin: germline.
Comment: This sequence change creates a premature translational stop signal (p.Leu119Cysfs*2) in the NPR2 gene. It is expected to result in an absent or disrupted protein product. Loss-of-function variants in NPR2 are known to be pathogenic (PMID: 15146390, 15572448, 16384845). This variant is not present in population databases (gnomAD no frequency). This variant has not been reported in the literature in individuals affected with NPR2-related conditions. For these reasons, this variant has been classified as Pathogenic.

Literature cited by the submitters: PubMed 15146390; PubMed 15572448; PubMed 16384845.